The following is an entry in ClinVar:

NM_014639.4(SKIC3):c.2884A>G (p.Ile962Val)

Gene: SKIC3 (SKI3 subunit of superkiller complex; minus strand). Cytogenetic location: 5q15.
Variant type: single nucleotide variant.
Coding change: c.2884A>G on transcript NM_014639.4 (MANE Select); coding-DNA position 2884, A replaced by G.
Protein change: p.Ile962Val; replaces isoleucine 962 with valine.
Molecular consequence: missense variant.
Genome position (GRCh38, 1-based): chr5:95,512,513, T>C on the plus strand (A>G on the coding strand, the complement: SKIC3 is on the minus strand). VCF-style: chr5-95512513-T-C. GRCh37 (hg19) VCF-style: chr5-94848217-T-C.
Other names: short protein forms I962V.
Identifiers: ClinVar variation 1901225 (VCV001901225.3), dbSNP rs955580536, ClinGen allele CA122848994.

ClinVar aggregate classification (germline): Uncertain significance. Review status: criteria provided, multiple submitters, no conflicts (2 of 4 stars). 2 submissions from 2 submitters: Uncertain significance (2). Last evaluated 2024-12-09.

Conditions:
Inborn genetic diseases. Identifiers: MedGen C0950123, MeSH D030342.

Allele frequency attached by ClinVar (database versions not stated): gnomAD 0.00001; gnomAD exomes 0.00002; TOPMed 0.00002.
gnomAD v4.1: 33 of 1,613,914 alleles (0.002%); highest among the groups gnomAD compares: African/African-American, 0.004%; no homozygotes.

Submissions (2):

Ambry Genetics
Classification: Uncertain significance for Inborn genetic diseases. Last evaluated: 2024-12-09. Review status: criteria provided, single submitter. Criteria: Ambry Variant Classification Scheme 2023. Collection method: clinical testing. Allele origin: germline.

Labcorp Genetics (formerly Invitae), Labcorp
Classification: Uncertain significance. Last evaluated: 2022-08-09. Review status: criteria provided, single submitter. Criteria: Invitae Variant Classification Sherloc (09022015). Collection method: clinical testing. Allele origin: germline.
Comment: This sequence change replaces isoleucine, which is neutral and non-polar, with valine, which is neutral and non-polar, at codon 962 of the TTC37 protein (p.Ile962Val). This variant is present in population databases (no rsID available, gnomAD 0.007%). This variant has not been reported in the literature in individuals affected with TTC37-related conditions. Algorithms developed to predict the effect of missense changes on protein structure and function output the following: SIFT: "Tolerated"; PolyPhen-2: "Benign"; Align-GVGD: "Class C0". The valine amino acid residue is found in multiple mammalian species, which suggests that this missense change does not adversely affect protein function. In summary, the available evidence is currently insufficient to determine the role of this variant in disease. Therefore, it has been classified as a Variant of Uncertain Significance.